The following is an entry in ClinVar:

NM_000051.4(ATM):c.2438A>G (p.Asn813Ser)

Gene: ATM (ATM serine/threonine kinase; plus strand). Cytogenetic location: 11q22.3.
Variant type: single nucleotide variant.
Coding change: c.2438A>G on transcript NM_000051.4 (MANE Select); coding-DNA position 2438, A replaced by G.
Protein change: p.Asn813Ser; replaces asparagine 813 with serine.
Molecular consequence: missense variant.
Genome position (GRCh38, 1-based): chr11:108,259,047, A>G. VCF-style: chr11-108259047-A-G. GRCh37 (hg19) VCF-style: chr11-108129774-A-G.
Other names: c.2438A>G, p.Asn813Ser (NM_001351834.2); short protein forms N813S.
Identifiers: ClinVar variation 2743859 (VCV002743859.3), dbSNP rs2497419942, ClinGen allele CA382541318.

ClinVar aggregate classification (germline): Uncertain significance (1 of 4 stars; one submission).

Conditions:
Ataxia-telangiectasia syndrome (AT). Also called: AT, COMPLEMENTATION GROUP C; Ataxia-telangiectasia, complementation group D; ATAXIA-TELANGIECTASIA, COMPLEMENTATION GROUP A; ATAXIA-TELANGIECTASIA, FRESNO VARIANT; Ataxia-telangiectasia; Ataxia telangiectasia (A-T). Identifiers: Orphanet 100, MedGen C0004135, MONDO:0008840, OMIM 208900.

Allele frequency attached by ClinVar (database versions not stated): gnomAD exomes below 0.00001.
gnomAD v4.1: 3 of 1,613,708 alleles (0.00019%); highest among the groups gnomAD compares: Non-Finnish European, 0.00025%; no homozygotes.

Submission:

Labcorp Genetics (formerly Invitae), Labcorp
Classification: Uncertain significance for Ataxia-telangiectasia syndrome. Last evaluated: 2025-11-13. Review status: criteria provided, single submitter. Criteria: Invitae Variant Classification Sherloc (09022015). Collection method: clinical testing. Allele origin: germline.
Comment: This sequence change replaces asparagine, which is neutral and polar, with serine, which is neutral and polar, at codon 813 of the ATM protein (p.Asn813Ser). This variant is not present in population databases (gnomAD no frequency). This variant has not been reported in the literature in individuals affected with ATM-related conditions. ClinVar contains an entry for this variant (Variation ID: 2743859). Invitae Evidence Modeling of protein sequence and biophysical properties (such as structural, functional, and spatial information, amino acid conservation, physicochemical variation, residue mobility, and thermodynamic stability) indicates that this missense variant is not expected to disrupt ATM protein function with a negative predictive value of 95%. In summary, the available evidence is currently insufficient to determine the role of this variant in disease. Therefore, it has been classified as a Variant of Uncertain Significance.